The following is an entry in ClinVar:

ClinVar aggregate classification (germline): Likely benign. Review status: criteria provided, multiple submitters, no conflicts (2 of 4 stars). 3 submissions from 3 submitters: Likely benign (2). 1 of the submissions does not count toward it. Last evaluated 2024-07-02.

Conditions:
ARMC9-related disorder. Also called: ARMC9-related condition.

Allele frequency attached by ClinVar (database versions not stated): ExAC 0.00011; gnomAD exomes 0.00011 and 0.00025; gnomAD 0.00013 and 0.00014; TOPMed 0.00014.
gnomAD v4.1: 378 of 1,613,754 alleles (0.023%); highest among the groups gnomAD compares: Non-Finnish European, 0.03%; no homozygotes.

Submissions (3):

Blueprint Genetics
Classification: Likely benign. Last evaluated: 2024-07-02. Review status: criteria provided, single submitter. Criteria: ACMG Guidelines, 2015. Collection method: clinical testing. Allele origin: germline.

Labcorp Genetics (formerly Invitae), Labcorp
Classification: Likely benign. Last evaluated: 2018-04-07. Review status: criteria provided, single submitter. Criteria: Invitae Variant Classification Sherloc (09022015). Collection method: clinical testing. Allele origin: germline.

PreventionGenetics, part of Exact Sciences
Classification: Likely benign for ARMC9-related condition. Last evaluated: 2019-08-09. Review status: no assertion criteria provided. Collection method: clinical testing. Allele origin: germline. Not counted in ClinVar's aggregate classification.
Comment: This variant is classified as likely benign based on ACMG/AMP sequence variant interpretation guidelines (Richards et al. 2015 PMID: 25741868, with internal and published modifications).

NM_001352754.2(ARMC9):c.843C>T (p.Ser281=)

Gene: ARMC9 (armadillo repeat containing 9; plus strand). Cytogenetic location: 2q37.1.
Variant type: single nucleotide variant.
Coding change: c.843C>T on transcript NM_001352754.2 (MANE Select); coding-DNA position 843, C replaced by T.
Protein change: p.Ser281=; no amino-acid change (serine 281 retained).
Molecular consequence: synonymous variant. On other transcripts: non-coding transcript variant (1), intron variant (2).
Genome position (GRCh38, 1-based): chr2:231,240,005, C>T. VCF-style: chr2-231240005-C-T. GRCh37 (hg19) VCF-style: chr2-232104718-C-T.
Other names: c.843C>T, p.Ser281= (NM_001271466.4, NM_001291656.2, NM_001352755.2 and 3 more transcripts); c.780+4624C>T (NM_001352757.2, NM_001352758.2); c.843C>T (NM_025139.5).
Identifiers: ClinVar variation 714614 (VCV000714614.6), dbSNP rs775687932, ClinGen allele CA2160067.
Genomic context (GRCh38, chr2:231,240,005, plus strand): 5'-CACCCCTGAGTACCTCCAGAGCGTCTGTGTCCGCCTGTTCAGTAACCAGATGCGGCAGAG[C>T]CTGGCGCATAGTGTGGACTTCACGAGGCCTGGGACGGTGAGGCTCTGCGCTCAGGGCAGG-3'
Protein context (NP_001339683.2, residues 271-291): VRLFSNQMRQ[Ser281=]LAHSVDFTRP